The following is an entry in ClinVar:

ClinVar aggregate classification (germline): Uncertain significance (1 of 4 stars; one submission).

Conditions:
Aicardi-Goutieres syndrome 7 (AGS7). Identifiers: Orphanet 51, MedGen C3888244, MONDO:0014367, OMIM 615846.
Singleton-Merten syndrome 1 (SGMRT1). Also called: Widened medullary cavities of bone, aortic calcification, abnormal dentition, and muscular weakness; Syndrome of widened medullary cavities of the metacarpals and phalanges, aortic calcification and abnormal dentition. Identifiers: Orphanet 85191, MedGen C4225427, MONDO:0024535, OMIM 182250.

gnomAD v4.1: 1 of 1,611,576 alleles (0.000062%); highest among the groups gnomAD compares: South Asian, 0.0011%; no homozygotes.

Submission:

Labcorp Genetics (formerly Invitae), Labcorp
Classification: Uncertain significance for Aicardi-Goutieres syndrome 7; Singleton-Merten syndrome 1. Last evaluated: 2022-02-03. Review status: criteria provided, single submitter. Criteria: Invitae Variant Classification Sherloc (09022015). Collection method: clinical testing. Allele origin: germline.
Comment: In summary, the available evidence is currently insufficient to determine the role of this variant in disease. Therefore, it has been classified as a Variant of Uncertain Significance. Algorithms developed to predict the effect of missense changes on protein structure and function are either unavailable or do not agree on the potential impact of this missense change (SIFT: "Deleterious"; PolyPhen-2: "Possibly Damaging"; Align-GVGD: "Class C15"). This variant has not been reported in the literature in individuals affected with IFIH1-related conditions. This variant is present in population databases (no rsID available, gnomAD 0.003%). This sequence change replaces leucine, which is neutral and non-polar, with phenylalanine, which is neutral and non-polar, at codon 421 of the IFIH1 protein (p.Leu421Phe).

NM_022168.4(IFIH1):c.1261C>T (p.Leu421Phe)

Gene: IFIH1 (interferon induced with helicase C domain 1; minus strand). Cytogenetic location: 2q24.2.
Variant type: single nucleotide variant.
Coding change: c.1261C>T on transcript NM_022168.4 (MANE Select); coding-DNA position 1261, C replaced by T.
Protein change: p.Leu421Phe; replaces leucine 421 with phenylalanine.
Molecular consequence: missense variant.
Genome position (GRCh38, 1-based): chr2:162,282,411, G>A on the plus strand (C>T on the coding strand, the complement: IFIH1 is on the minus strand). VCF-style: chr2-162282411-G-A. GRCh37 (hg19) VCF-style: chr2-163138921-G-A.
Other names: short protein forms L421F.
Identifiers: ClinVar variation 2092368 (VCV002092368.4), dbSNP rs1292753437, ClinGen allele CA349002738.